The following is an entry in ClinVar:

ClinVar aggregate classification (germline): Benign/Likely benign. Review status: criteria provided, multiple submitters, no conflicts (2 of 4 stars). 3 submissions from 3 submitters: Benign (2); Likely benign (1). Last evaluated 2026-01-15.

Conditions:
Alzheimer disease 4 (AD4). Identifiers: Orphanet 1020, MedGen C1847200, MONDO:0011743, OMIM 606889.

Allele frequency attached by ClinVar (database versions not stated): gnomAD exomes 0.00022 and 0.00058; ExAC 0.00068; gnomAD 0.00234 and 0.00248; TOPMed 0.00298; ESP Exome Variant Server 0.00338; 1000 Genomes Project 30x 0.00344; 1000 Genomes Project 0.00359.
gnomAD v4.1: 686 of 1,614,070 alleles (0.043%); highest among the groups gnomAD compares: African/African-American, 0.81%; 2 homozygotes.

Submissions (3):

Labcorp Genetics (formerly Invitae), Labcorp
Classification: Benign for Alzheimer disease 4. Last evaluated: 2026-01-15. Review status: criteria provided, single submitter. Criteria: Invitae Variant Classification Sherloc (09022015). Collection method: clinical testing. Allele origin: germline.

Mayo Clinic Laboratories, Mayo Clinic
Classification: Likely benign. Last evaluated: 2025-09-02. Review status: criteria provided, single submitter. Criteria: ACMG Guidelines, 2015. Collection method: clinical testing. Allele origin: germline. Observed: 1 variant allele.
Comment: BS1, BP4, BP7

ARUP Laboratories, Molecular Genetics and Genomics, ARUP Laboratories
Classification: Benign. Last evaluated: 2025-02-12. Review status: criteria provided, single submitter. Criteria: ARUP Molecular Germline Variant Investigation Process 2024. Collection method: clinical testing. Allele origin: germline.

NM_000447.3(PSEN2):c.1200T>C (p.Cys400=)

Gene: PSEN2 (presenilin 2; plus strand). Cytogenetic location: 1q42.13.
Variant type: single nucleotide variant.
Coding change: c.1200T>C on transcript NM_000447.3 (MANE Select); coding-DNA position 1200, T replaced by C.
Protein change: p.Cys400=; no amino-acid change (cysteine 400 retained).
Molecular consequence: synonymous variant.
Genome position (GRCh38, 1-based): chr1:226,895,432, T>C. VCF-style: chr1-226895432-T-C. GRCh37 (hg19) VCF-style: chr1-227083133-T-C.
Other names: p.Cys400=; c.1197T>C, p.Cys399= (NM_012486.3).
Identifiers: ClinVar variation 695572 (VCV000695572.12), dbSNP rs138494303, ClinGen allele CA1424848.